The following is an entry in ClinVar:

ClinVar aggregate classification (germline): Uncertain significance (1 of 4 stars; one submission).

Conditions:
Glycine encephalopathy. Also called: Nonketotic hyperglycinemia; Non-ketotic hyperglycinemia. Identifiers: Orphanet 407, MedGen C0751748, MONDO:0011612, HP:0008288.

Submission:

Labcorp Genetics (formerly Invitae), Labcorp
Classification: Uncertain significance for Glycine encephalopathy. Last evaluated: 2023-04-18. Review status: criteria provided, single submitter. Criteria: Invitae Variant Classification Sherloc (09022015). Collection method: clinical testing. Allele origin: germline.
Comment: In summary, the available evidence is currently insufficient to determine the role of this variant in disease. Therefore, it has been classified as a Variant of Uncertain Significance. Advanced modeling of protein sequence and biophysical properties (such as structural, functional, and spatial information, amino acid conservation, physicochemical variation, residue mobility, and thermodynamic stability) has been performed at Invitae for this missense variant, however the output from this modeling did not meet the statistical confidence thresholds required to predict the impact of this variant on GLDC protein function. This variant has not been reported in the literature in individuals affected with GLDC-related conditions. This variant is not present in population databases (gnomAD no frequency). This sequence change replaces glycine, which is neutral and non-polar, with tryptophan, which is neutral and slightly polar, at codon 24 of the GLDC protein (p.Gly24Trp).

NM_000170.3(GLDC):c.70G>T (p.Gly24Trp)

Gene: GLDC (glycine decarboxylase; minus strand). Cytogenetic location: 9p24.1.
Variant type: single nucleotide variant.
Coding change: c.70G>T on transcript NM_000170.3 (MANE Select); coding-DNA position 70, G replaced by T.
Protein change: p.Gly24Trp; replaces glycine 24 with tryptophan.
Molecular consequence: missense variant.
Genome position (GRCh38, 1-based): chr9:6,645,430, C>A on the plus strand (G>T on the coding strand, the complement: GLDC is on the minus strand). VCF-style: chr9-6645430-C-A. GRCh37 (hg19) VCF-style: chr9-6645430-C-A.
Other names: short protein forms G24W.
Identifiers: ClinVar variation 2796089 (VCV002796089.1), dbSNP rs1587990781, ClinGen allele CA372887315.